The following is an entry in ClinVar:

ClinVar aggregate classification (germline): Uncertain significance. Review status: criteria provided, multiple submitters, no conflicts (2 of 4 stars). 4 submissions from 4 submitters: Uncertain significance (2). 2 of the submissions do not count toward it. Last evaluated 2025-09-20.

Conditions:
Fanconi anemia complementation group A (FANCA). Also called: FANCA-Related Fanconi Anemia; Fanconi anemia, group A. Identifiers: Orphanet 84, MedGen C3469521, MONDO:0009215, OMIM 227650.
Fanconi anemia (FA). Also called: Fanconi's anemia. Identifiers: Orphanet 84, MedGen C0015625, MeSH D005199, MONDO:0019391.

Allele frequency attached by ClinVar (database versions not stated): gnomAD exomes below 0.00001; gnomAD 0.00001; TOPMed 0.00002.
gnomAD v4.1: 7 of 1,612,472 alleles (0.00043%); highest among the groups gnomAD compares: East Asian, 0.0067%; no homozygotes.

Submissions (4):

Labcorp Genetics (formerly Invitae), Labcorp
Classification: Uncertain significance for Fanconi anemia. Last evaluated: 2025-09-20. Review status: criteria provided, single submitter. Criteria: Invitae Variant Classification Sherloc (09022015). Collection method: clinical testing. Allele origin: germline.
Comment: This sequence change replaces serine, which is neutral and polar, with phenylalanine, which is neutral and non-polar, at codon 861 of the FANCA protein (p.Ser861Phe). This variant is present in population databases (no rsID available, gnomAD 0.006%). This variant has not been reported in the literature in individuals affected with FANCA-related conditions. ClinVar contains an entry for this variant (Variation ID: 554800). Invitae Evidence Modeling of protein sequence and biophysical properties (such as structural, functional, and spatial information, amino acid conservation, physicochemical variation, residue mobility, and thermodynamic stability) has been performed for this missense variant. However, the output from this modeling did not meet the statistical confidence thresholds required to predict the impact of this variant on FANCA protein function. In summary, the available evidence is currently insufficient to determine the role of this variant in disease. Therefore, it has been classified as a Variant of Uncertain Significance.

Fulgent Genetics
Classification: Uncertain significance for Fanconi anemia complementation group A. Last evaluated: 2022-05-06. Review status: criteria provided, single submitter. Criteria: ACMG Guidelines, 2015. Collection method: clinical testing. Allele origin: unknown.

Natera, Inc.
Classification: Uncertain significance for Fanconi anemia, group A. Last evaluated: 2020-09-16. Review status: no assertion criteria provided. Collection method: clinical testing. Allele origin: germline. Not counted in ClinVar's aggregate classification.

Counsyl
Classification: Uncertain significance for Fanconi anemia complementation group A. Last evaluated: 2017-11-03. Review status: no assertion criteria provided. Collection method: clinical testing. Allele origin: unknown. Not counted in ClinVar's aggregate classification.

NM_000135.4(FANCA):c.2582C>T (p.Ser861Phe)

Gene: FANCA (FA complementation group A; minus strand). Cytogenetic location: 16q24.3.
Variant type: single nucleotide variant.
Coding change: c.2582C>T on transcript NM_000135.4 (MANE Select); coding-DNA position 2582, C replaced by T.
Protein change: p.Ser861Phe; replaces serine 861 with phenylalanine.
Molecular consequence: missense variant.
Genome position (GRCh38, 1-based): chr16:89,767,160, G>A on the plus strand (C>T on the coding strand, the complement: FANCA is on the minus strand). VCF-style: chr16-89767160-G-A. GRCh37 (hg19) VCF-style: chr16-89833568-G-A.
Other names: c.2582C>T (LRG_495t1); c.2582C>T, p.Ser861Phe (NM_001286167.3); short protein forms S861F.
Identifiers: ClinVar variation 554800 (VCV000554800.14), dbSNP rs980582362, ClinGen allele CA286558503.